The following is an entry in ClinVar:

ClinVar aggregate classification (germline): Uncertain significance (1 of 4 stars; one submission).

Conditions:
Cardiovascular phenotype. Identifiers: MedGen CN230736.

Allele frequency attached by ClinVar (database versions not stated): gnomAD exomes below 0.00001.
gnomAD v4.1: 6 of 1,586,654 alleles (0.00038%); highest among the groups gnomAD compares: Non-Finnish European, 0.00052%; no homozygotes.

Submission:

Ambry Genetics
Classification: Uncertain significance for Cardiovascular phenotype. Last evaluated: 2024-03-06. Review status: criteria provided, single submitter. Criteria: Ambry Variant Classification Scheme 2023. Collection method: clinical testing. Allele origin: germline.
Comment: The p.S98P variant (also known as c.292T>C), located in coding exon 1 of the TNXB gene, results from a T to C substitution at nucleotide position 292. The serine at codon 98 is replaced by proline, an amino acid with similar properties. This amino acid position is conserved. In addition, the in silico prediction for this alteration is inconclusive. Based on the available evidence, the clinical significance of this alteration remains unclear.

NM_001365276.2(TNXB):c.292T>C (p.Ser98Pro)

Gene: TNXB (tenascin XB; minus strand). Cytogenetic location: 6p21.33.
Variant type: single nucleotide variant.
Coding change: c.292T>C on transcript NM_001365276.2 (MANE Select); coding-DNA position 292, T replaced by C.
Protein change: p.Ser98Pro; replaces serine 98 with proline.
Molecular consequence: missense variant.
Genome position (GRCh38, 1-based): chr6:32,097,907, A>G on the plus strand (T>C on the coding strand, the complement: TNXB is on the minus strand). VCF-style: chr6-32097907-A-G. GRCh37 (hg19) VCF-style: chr6-32065684-A-G.
Other names: c.292T>C, p.Ser98Pro (NM_001428335.1, NM_019105.8); short protein forms S98P.
Identifiers: ClinVar variation 3227262 (VCV003227262.1), dbSNP rs1562879498, ClinGen allele CA363491902.